The following is an entry in ClinVar:

NM_001379500.1(COL18A1):c.107-11509G>C

Gene: COL18A1 (collagen type XVIII alpha 1 chain; plus strand). Cytogenetic location: 21q22.3.
Variant type: single nucleotide variant.
Coding change: c.107-11509G>C on transcript NM_001379500.1 (MANE Select); 11509 bases into the intron before coding-DNA position 107, G replaced by C.
Molecular consequence: intron variant. On other transcripts: synonymous variant (1).
Genome position (GRCh38, 1-based): chr21:45,456,733, G>C. VCF-style: chr21-45456733-G-C. GRCh37 (hg19) VCF-style: chr21-46876647-G-C.
Other names: c.1203G>C, p.Pro401= (NM_130444.3); c.646+557G>C (NM_030582.4); c.1203G>C (NM_130444.2).
Identifiers: ClinVar variation 4946586 (VCV004946586.2).

ClinVar aggregate classification (germline): Likely benign. Review status: criteria provided, multiple submitters, no conflicts (2 of 4 stars). 2 submissions from 2 submitters: Likely benign (2). Last evaluated 2025-01-16.

Conditions:
COL18A1-related disorder. Also called: COL18A1-related condition; COL18A1-related disorders.

Submissions (2):

PreventionGenetics, part of Exact Sciences
Classification: Likely benign for COL18A1-related condition. Last evaluated: 2025-01-16. Review status: criteria provided, single submitter. Criteria: ACMG Guidelines, 2015. Collection method: clinical testing. Allele origin: germline.
Comment: This variant is classified as likely benign based on ACMG/AMP sequence variant interpretation guidelines (Richards et al. 2015 PMID: 25741868, with internal and published modifications).

Blueprint Genetics
Classification: Likely benign. Last evaluated: 2024-11-25. Review status: criteria provided, single submitter. Criteria: ACMG Guidelines, 2015. Collection method: clinical testing. Allele origin: germline.